The following is an entry in ClinVar:

ClinVar aggregate classification (germline): Conflicting classifications of pathogenicity. Review status: criteria provided, conflicting classifications (1 of 4 stars). 2 submissions from 2 submitters: Uncertain significance (1); Likely benign (1). Last evaluated 2024-02-28.

Allele frequency attached by ClinVar (database versions not stated): gnomAD exomes 0.00002 and 0.00004; gnomAD 0.00003; TOPMed 0.00003; ExAC 0.00006; ESP Exome Variant Server 0.00008.
gnomAD v4.1: 37 of 1,613,918 alleles (0.0023%); highest among the groups gnomAD compares: East Asian, 0.027%; no homozygotes.

Submissions (2):

Blueprint Genetics
Classification: Likely benign. Last evaluated: 2024-02-28. Review status: criteria provided, single submitter. Criteria: ACMG Guidelines, 2015. Collection method: clinical testing. Allele origin: germline.

Labcorp Genetics (formerly Invitae), Labcorp
Classification: Uncertain significance. Last evaluated: 2024-01-24. Review status: criteria provided, single submitter. Criteria: Invitae Variant Classification Sherloc (09022015). Collection method: clinical testing. Allele origin: germline.
Comment: This sequence change replaces aspartic acid, which is acidic and polar, with asparagine, which is neutral and polar, at codon 1069 of the VCAN protein (p.Asp1069Asn). This variant is present in population databases (rs377090663, gnomAD 0.04%). This variant has not been reported in the literature in individuals affected with VCAN-related conditions. ClinVar contains an entry for this variant (Variation ID: 850314). Algorithms developed to predict the effect of missense changes on protein structure and function output the following: SIFT: "Not Available"; PolyPhen-2: "Benign"; Align-GVGD: "Not Available". The asparagine amino acid residue is found in multiple mammalian species, which suggests that this missense change does not adversely affect protein function. In summary, the available evidence is currently insufficient to determine the role of this variant in disease. Therefore, it has been classified as a Variant of Uncertain Significance.

NM_004385.5(VCAN):c.3205G>A (p.Asp1069Asn)

Gene: VCAN (versican; plus strand). Cytogenetic location: 5q14.3.
Variant type: single nucleotide variant.
Coding change: c.3205G>A on transcript NM_004385.5 (MANE Select); coding-DNA position 3205, G replaced by A.
Protein change: p.Asp1069Asn; replaces aspartic acid 1069 with asparagine.
Molecular consequence: missense variant. On other transcripts: intron variant (2).
Genome position (GRCh38, 1-based): chr5:83,521,511, G>A. VCF-style: chr5-83521511-G-A. GRCh37 (hg19) VCF-style: chr5-82817330-G-A.
Other names: c.3205G>A, p.Asp1069Asn (NM_001164098.2); c.1042+9115G>A (NM_001164097.2, NM_001126336.3); short protein forms D1069N.
Identifiers: ClinVar variation 850314 (VCV000850314.10), dbSNP rs377090663, ClinGen allele CA3332978.